The following is an entry in ClinVar:

ClinVar aggregate classification (germline): Pathogenic (1 of 4 stars; one submission).

Conditions:
Ataxia-telangiectasia syndrome (AT). Also called: Cerebello-oculocutaneous telangiectasia; Immunodeficiency with ataxia telangiectasia; Ataxia-telangiectasia, complementation group E; LOUIS-BAR SYNDROME; AT, COMPLEMENTATION GROUP C; ATAXIA-TELANGIECTASIA, COMPLEMENTATION GROUP A. Identifiers: Orphanet 100, MedGen C0004135, MONDO:0008840, OMIM 208900.

Submission:

Labcorp Genetics (formerly Invitae), Labcorp
Classification: Pathogenic for Ataxia-telangiectasia syndrome. Last evaluated: 2025-10-26. Review status: criteria provided, single submitter. Criteria: Invitae Variant Classification Sherloc (09022015). Collection method: clinical testing. Allele origin: germline.
Comment: This sequence change creates a premature translational stop signal (p.Asn133Lysfs*20) in the ATM gene. It is expected to result in an absent or disrupted protein product. Loss-of-function variants in ATM are known to be pathogenic (PMID: 23807571, 25614872). This variant is not present in population databases (gnomAD no frequency). This variant has not been reported in the literature in individuals affected with ATM-related conditions. For these reasons, this variant has been classified as Pathogenic.

Literature cited by the submitters: PubMed 23807571; PubMed 25614872.

NM_000051.4(ATM):c.399del (p.Asn133fs)

Gene: ATM (ATM serine/threonine kinase; plus strand). Cytogenetic location: 11q22.3.
Variant type: Deletion.
Coding change: c.399del on transcript NM_000051.4 (MANE Select); coding-DNA position 399, one base deleted (T; older notation c.399delT).
Protein change: p.Asn133fs; shifts the reading frame from asparagine 133.
Molecular consequence: frameshift variant.
Genome position (GRCh38, 1-based): chr11:108,235,737, T deleted. VCF-style (leftmost placement, unchanged base first): chr11-108235736-AT-A. GRCh37 (hg19) VCF-style: chr11-108106463-AT-A.
Other names: c.399del, p.Asn133fs (NM_001351834.2); short protein forms N133fs.
Identifiers: ClinVar variation 4729871 (VCV004729871.1).